The following is an entry in ClinVar:

ClinVar aggregate classification (germline): Uncertain significance (1 of 4 stars; one submission).

Submission:

GeneDx
Classification: Uncertain significance. Last evaluated: 2022-06-15. Review status: criteria provided, single submitter. Criteria: GeneDx Variant Classification Process June 2021. Collection method: clinical testing. Allele origin: germline. Affected: yes.
Comment: Not observed in large population cohorts (gnomAD); Has not been previously published as pathogenic or benign to our knowledge; Located in a region that tolerates variation and lacks pathogenic variants

NM_001457.4(FLNB):c.-5C>T

Gene: FLNB (filamin B; plus strand). Cytogenetic location: 3p14.3.
Variant type: single nucleotide variant.
Coding change: c.-5C>T on transcript NM_001457.4 (MANE Select); 5 bases upstream of the start codon, C replaced by T.
Genome position (GRCh38, 1-based): chr3:58,008,560, C>T. VCF-style: chr3-58008560-C-T. GRCh37 (hg19) VCF-style: chr3-57994287-C-T.
Other names: c.-5C>T (NM_001164317.2, NM_001164318.2, NM_001164319.2).
Identifiers: ClinVar variation 1691771 (VCV001691771.2), dbSNP rs2106654616, ClinGen allele CA2573137433.